The following is an entry in ClinVar:

NC_000006.12:g.32853744G>T

Gene: TAP1 (transporter 1, ATP binding cassette subfamily B member; minus strand). Cytogenetic location: 6p21.32.
Variant type: single nucleotide variant.
Genome position: GRCh38 VCF-style: chr6-32853744-G-T. GRCh37 (hg19) VCF-style: chr6-32821521-G-T.
Identifiers: ClinVar variation 1965570 (VCV001965570.5), dbSNP rs773285146, ClinGen allele CA3747115.
Genomic context (GRCh38, chr6:32,853,744, plus strand): 5'-CGCCCCGGTGGGGCCTGAAGCTCCGGGTACCGCCGAGTCCTCCCCTACTGGCGGCTGGGG[G>T]AGGGAACGAGGGCGGGGCTCTCGGAAAGTCCCAGGAACAGGCTGATCCTGCGCTGGCGAG-3'

ClinVar aggregate classification (germline): Uncertain significance (1 of 4 stars; one submission).

Conditions:
MHC class I deficiency. Identifiers: Orphanet 34592, MedGen C6024714, MONDO:0011476.

Submission:

Labcorp Genetics (formerly Invitae), Labcorp
Classification: Uncertain significance for MHC class I deficiency 1. Last evaluated: 2022-08-22. Review status: criteria provided, single submitter. Criteria: Invitae Variant Classification Sherloc (09022015). Collection method: clinical testing. Allele origin: germline.
Comment: In summary, the available evidence is currently insufficient to determine the role of this variant in disease. Therefore, it has been classified as a Variant of Uncertain Significance. Algorithms developed to predict the effect of missense changes on protein structure and function are either unavailable or do not agree on the potential impact of this missense change (SIFT: "Tolerated"; PolyPhen-2: "Not Available"; Align-GVGD: "Class C0"). This variant has not been reported in the literature in individuals affected with TAP1-related conditions. The frequency data for this variant in the population databases is considered unreliable, as metrics indicate poor data quality at this position in the gnomAD database. This sequence change replaces proline, which is neutral and non-polar, with threonine, which is neutral and polar, at codon 25 of the TAP1 protein (p.Pro25Thr).